The following is an entry in ClinVar:

ClinVar aggregate classification (germline): Uncertain significance. Review status: criteria provided, multiple submitters, no conflicts (2 of 4 stars). 2 submissions from 2 submitters: Uncertain significance (2). Last evaluated 2024-07-16.

Conditions:
HYPERHOMOCYSTEINEMIA, THROMBOTIC, CBS-RELATED. Identifiers: MedGen C3150344, OMIM 236200.
Familial thoracic aortic aneurysm and aortic dissection (TAAD). Also called: Thoracic aortic aneurysms and dissections. Identifiers: Orphanet 91387, MedGen C4707243, MONDO:0019625.

Allele frequency attached by ClinVar (database versions not stated): ExAC 0.00001.

Submissions (2):

Ambry Genetics
Classification: Uncertain significance for Familial thoracic aortic aneurysm and aortic dissection. Last evaluated: 2024-07-16. Review status: criteria provided, single submitter. Criteria: Ambry Variant Classification Scheme 2023. Collection method: clinical testing. Allele origin: germline.

Labcorp Genetics (formerly Invitae), Labcorp
Classification: Uncertain significance for HYPERHOMOCYSTEINEMIA, THROMBOTIC, CBS-RELATED. Last evaluated: 2022-06-19. Review status: criteria provided, single submitter. Criteria: Invitae Variant Classification Sherloc (09022015). Collection method: clinical testing. Allele origin: germline.
Comment: This sequence change replaces methionine, which is neutral and non-polar, with threonine, which is neutral and polar, at codon 458 of the CBS protein (p.Met458Thr). The frequency data for this variant in the population databases is considered unreliable, as metrics indicate poor data quality at this position in the gnomAD database. This variant has not been reported in the literature in individuals affected with CBS-related conditions. Algorithms developed to predict the effect of missense changes on protein structure and function are either unavailable or do not agree on the potential impact of this missense change (SIFT: "Deleterious"; PolyPhen-2: "Benign"; Align-GVGD: "Class C0"). In summary, the available evidence is currently insufficient to determine the role of this variant in disease. Therefore, it has been classified as a Variant of Uncertain Significance.

NM_000071.3(CBS):c.1373T>C (p.Met458Thr)

Gene: CBS (cystathionine beta-synthase; minus strand). Cytogenetic location: 21q22.3.
Variant type: single nucleotide variant.
Coding change: c.1373T>C on transcript NM_000071.3 (MANE Select); coding-DNA position 1373, T replaced by C.
Protein change: p.Met458Thr; replaces methionine 458 with threonine.
Molecular consequence: missense variant.
Genome position (GRCh38, 1-based): chr21:43,058,239, A>G on the plus strand (T>C on the coding strand, the complement: CBS is on the minus strand). VCF-style: chr21-43058239-A-G. GRCh37 (hg19) VCF-style: chr21-44478349-A-G.
Other names: c.1373T>C, p.Met458Thr (NM_001178008.3, NM_001178009.3, NM_001320298.2); c.1058T>C, p.Met353Thr (NM_001321072.1); short protein forms M353T, M458T.
Identifiers: ClinVar variation 1771101 (VCV001771101.5), dbSNP rs758500477, ClinGen allele CA321687499.